The following is an entry in ClinVar:

NM_001201427.2(DAAM2):c.2814C>T (p.Phe938=)

Gene: DAAM2 (dishevelled associated activator of morphogenesis 2; plus strand). Cytogenetic location: 6p21.2.
Variant type: single nucleotide variant.
Coding change: c.2814C>T on transcript NM_001201427.2 (MANE Select); coding-DNA position 2814, C replaced by T.
Protein change: p.Phe938=; no amino-acid change (phenylalanine 938 retained).
Molecular consequence: synonymous variant.
Genome position (GRCh38, 1-based): chr6:39,901,304, C>T. VCF-style: chr6-39901304-C-T. GRCh37 (hg19) VCF-style: chr6-39869080-C-T.
Other names: c.2811C>T, p.Phe937= (NM_015345.4).
Identifiers: ClinVar variation 3031152 (VCV003031152.2), dbSNP rs148294935, ClinGen allele CA3795430.
Genomic context (GRCh38, chr6:39,901,304, plus strand): 5'-GGCTGAGCCCAGCATGCTCCAGGGCACTCTCCACCAATCCTGTTCTGTCCCTTGACAGTT[C>T]GCCAAGGCCTTGATGCACTTCGGGGAGCATGACAGCAAGATGCAGCCAGACGAATTCTTT-3'
Protein context (NP_001188356.1, residues 928-948): EDQLNEARDK[Phe938=]AKALMHFGEH

ClinVar aggregate classification (germline): Likely benign (0 of 4 stars; one submission).

Conditions:
DAAM2-related disorder. Also called: DAAM2-related condition.

Allele frequency attached by ClinVar (database versions not stated): TOPMed 0.00004; gnomAD 0.00005; ExAC 0.00011; 1000 Genomes Project 30x 0.00016; 1000 Genomes Project 0.00020.
gnomAD v4.1: 56 of 1,612,810 alleles (0.0035%); highest among the groups gnomAD compares: East Asian, 0.058%; no homozygotes.

Submission:

PreventionGenetics, part of Exact Sciences
Classification: Likely benign for DAAM2-related condition. Last evaluated: 2022-12-19. Review status: no assertion criteria provided. Collection method: clinical testing. Allele origin: germline.
Comment: This variant is classified as likely benign based on ACMG/AMP sequence variant interpretation guidelines (Richards et al. 2015 PMID: 25741868, with internal and published modifications).